The following is an entry in ClinVar:

ClinVar aggregate classification (germline): Likely pathogenic. Review status: criteria provided, multiple submitters, no conflicts (2 of 4 stars). 2 submissions from 2 submitters: Likely pathogenic (2). Last evaluated 2022-10-13.

Conditions:
Fanconi anemia (FA). Also called: Fanconi's anemia. Identifiers: Orphanet 84, MedGen C0015625, MeSH D005199, MONDO:0019391.
FANCA-related disorder. Also called: FANCA-related condition.

Allele frequency attached by ClinVar (database versions not stated): gnomAD 0.00001.
gnomAD v4.1: 1 of 1,607,566 alleles (0.000062%); highest among the groups gnomAD compares: African/African-American, 0.0013%; no homozygotes.

Submissions (2):

Labcorp Genetics (formerly Invitae), Labcorp
Classification: Likely pathogenic for Fanconi anemia. Last evaluated: 2022-10-13. Review status: criteria provided, single submitter. Criteria: Invitae Variant Classification Sherloc (09022015). Collection method: clinical testing. Allele origin: germline.
Comment: This variant is not present in population databases (gnomAD no frequency). In summary, the currently available evidence indicates that the variant is pathogenic, but additional data are needed to prove that conclusively. Therefore, this variant has been classified as Likely Pathogenic. Algorithms developed to predict the effect of sequence changes on RNA splicing suggest that this variant may disrupt the consensus splice site. ClinVar contains an entry for this variant (Variation ID: 1497218). Disruption of this splice site has been observed in individual(s) with Fanconi anemia and/or lung squamous cell carcinoma (PMID: 26689913, 33482836). This sequence change affects a donor splice site in intron 24 of the FANCA gene. It is expected to disrupt RNA splicing. Variants that disrupt the donor or acceptor splice site typically lead to a loss of protein function (PMID: 16199547), and loss-of-function variants in FANCA are known to be pathogenic (PMID: 19367192).

PreventionGenetics, part of Exact Sciences
Classification: Likely pathogenic for FANCA-related condition. Last evaluated: 2022-09-28. Review status: criteria provided, single submitter. Criteria: ACMG Guidelines, 2015. Collection method: clinical testing. Allele origin: germline.
Comment: The FANCA c.2222+1G>A variant is predicted to disrupt the GT donor site and interfere with normal splicing. To our knowledge, this variant has not been reported in the literature and in a large population database, indicating this variant is rare. Variants that disrupt the consensus splice donor site in FANCA are expected to be pathogenic. This variant is interpreted as likely pathogenic.

Literature cited by the submitters: PubMed 26689913 (cited by Labcorp Genetics (formerly Invitae), Labcorp); PubMed 33482836 (cited by Labcorp Genetics (formerly Invitae), Labcorp); PubMed 16199547 (cited by Labcorp Genetics (formerly Invitae), Labcorp); PubMed 19367192 (cited by Labcorp Genetics (formerly Invitae), Labcorp).

NM_000135.4(FANCA):c.2222+1G>A

Gene: FANCA (FA complementation group A; minus strand). Cytogenetic location: 16q24.3.
Variant type: single nucleotide variant.
Coding change: c.2222+1G>A on transcript NM_000135.4 (MANE Select); the canonical splice donor site of the intron after coding-DNA position 2222, G replaced by A.
Molecular consequence: splice donor variant.
Genome position (GRCh38, 1-based): chr16:89,770,563, C>T on the plus strand (G>A on the coding strand, the complement: FANCA is on the minus strand). VCF-style: chr16-89770563-C-T. GRCh37 (hg19) VCF-style: chr16-89836971-C-T.
Other names: c.2222+1G>A (NM_000135.2, NM_001286167.3).
Identifiers: ClinVar variation 1497218 (VCV001497218.7), dbSNP rs775388912, ClinGen allele CA286565330.
Genomic context (GRCh38, chr16:89,770,563, plus strand): 5'-GCCCAGCAAGAGGTGGCACCCAGAGGAGCCCCACCACTCAGGGAGCTGCCCGCGCCTTCA[C>T]CTCTCCGGGGGAGCGACACTGGAGGCAGCCATCAGGTTCTGACAGAAAGACGTCAGCAGG-3'